The following is an entry in ClinVar:

NM_001291303.3(FAT4):c.1714C>A (p.Leu572Ile)

Gene: FAT4 (FAT atypical cadherin 4; plus strand). Cytogenetic location: 4q28.1.
Variant type: single nucleotide variant.
Coding change: c.1714C>A on transcript NM_001291303.3 (MANE Select); coding-DNA position 1714, C replaced by A.
Protein change: p.Leu572Ile; replaces leucine 572 with isoleucine.
Molecular consequence: missense variant.
Genome position (GRCh38, 1-based): chr4:125,318,125, C>A. VCF-style: chr4-125318125-C-A. GRCh37 (hg19) VCF-style: chr4-126239280-C-A.
Other names: c.1714C>A, p.Leu572Ile (NM_001291285.3, NM_024582.6); short protein forms L572I.
Identifiers: ClinVar variation 2218696 (VCV002218696.5), dbSNP rs767995663, ClinGen allele CA3072046.
Genomic context (GRCh38, chr4:125,318,125, plus strand): 5'-ATAAGTGCCCGGGACCAGGGAGTTCACCCCAAGGTGTCCTATGCCCAGCTTGTAGTAACT[C>A]TCCTAGATGTGAATGATGAAAAGCCAGTATTTAGCCAGCCAGAAGGGTATGATGTGTCTG-3'
Protein context (NP_001278232.1, residues 562-582): KVSYAQLVVT[Leu572Ile]LDVNDEKPVF

ClinVar aggregate classification (germline): Conflicting classifications of pathogenicity. Review status: criteria provided, conflicting classifications (1 of 4 stars). 3 submissions from 3 submitters: Uncertain significance (2); Likely benign (1). Last evaluated 2025-02-13.

Conditions:
Inborn genetic diseases. Identifiers: MedGen C0950123, MeSH D030342.

Allele frequency attached by ClinVar (database versions not stated): ExAC 0.00001.

Submissions (3):

Ambry Genetics
Classification: Uncertain significance for Inborn genetic diseases. Last evaluated: 2025-02-13. Review status: criteria provided, single submitter. Criteria: Ambry Variant Classification Scheme 2023. Collection method: clinical testing. Allele origin: germline.

Labcorp Genetics (formerly Invitae), Labcorp
Classification: Uncertain significance. Last evaluated: 2024-03-27. Review status: criteria provided, single submitter. Criteria: Invitae Variant Classification Sherloc (09022015). Collection method: clinical testing. Allele origin: germline.
Comment: This sequence change replaces leucine, which is neutral and non-polar, with isoleucine, which is neutral and non-polar, at codon 572 of the FAT4 protein (p.Leu572Ile). This variant is present in population databases (rs767995663, gnomAD 0.0009%). This variant has not been reported in the literature in individuals affected with FAT4-related conditions. ClinVar contains an entry for this variant (Variation ID: 2218696). Advanced modeling of protein sequence and biophysical properties (such as structural, functional, and spatial information, amino acid conservation, physicochemical variation, residue mobility, and thermodynamic stability) has been performed at Invitae for this missense variant, however the output from this modeling did not meet the statistical confidence thresholds required to predict the impact of this variant on FAT4 protein function. In summary, the available evidence is currently insufficient to determine the role of this variant in disease. Therefore, it has been classified as a Variant of Uncertain Significance.

Blueprint Genetics
Classification: Likely benign. Last evaluated: 2024-01-04. Review status: criteria provided, single submitter. Criteria: ACMG Guidelines, 2015. Collection method: clinical testing. Allele origin: germline.